The following is an entry in ClinVar:

NM_024422.6(DSC2):c.1238A>G (p.Asn413Ser)

Gene: DSC2 (desmocollin 2; minus strand). Cytogenetic location: 18q12.1.
Variant type: single nucleotide variant.
Coding change: c.1238A>G on transcript NM_024422.6 (MANE Select); coding-DNA position 1238, A replaced by G.
Protein change: p.Asn413Ser; replaces asparagine 413 with serine.
Molecular consequence: missense variant.
Genome position (GRCh38, 1-based): chr18:31,082,263, T>C on the plus strand (A>G on the coding strand, the complement: DSC2 is on the minus strand). VCF-style: chr18-31082263-T-C. GRCh37 (hg19) VCF-style: chr18-28662229-T-C.
Other names: c.1238A>G, p.Asn413Ser (NM_004949.5); c.1238A>G (NM_024422.3); short protein forms N413S.
Identifiers: ClinVar variation 1506448 (VCV001506448.6), dbSNP rs1293927459, ClinGen allele CA402109495.

ClinVar aggregate classification (germline): Uncertain significance. Review status: criteria provided, multiple submitters, no conflicts (2 of 4 stars). 3 submissions from 3 submitters: Uncertain significance (3). Last evaluated 2025-03-03.

Conditions:
Arrhythmogenic right ventricular dysplasia 11. Also called: Arrhythmogenic right ventricular dysplasia 11 with mild palmoplantar keratoderma and woolly hair; Arrhythmogenic Right Ventricular Dysplasia/Cardiomyopathy11; ARRHYTHMOGENIC RIGHT VENTRICULAR DYSPLASIA, FAMILIAL, 11. Identifiers: MedGen C1864850, MONDO:0012506, OMIM 610476.
Cardiovascular phenotype. Identifiers: MedGen CN230736.
Familial isolated arrhythmogenic right ventricular dysplasia. Identifiers: Orphanet 217656, MedGen C4274968, MONDO:0016342.

Allele frequency attached by ClinVar (database versions not stated): gnomAD 0.00001.
gnomAD v4.1: 13 of 1,613,526 alleles (0.00081%); highest among the groups gnomAD compares: African/African-American, 0.0013%; no homozygotes.

Submissions (3):

Labcorp Genetics (formerly Invitae), Labcorp
Classification: Uncertain significance for Arrhythmogenic right ventricular dysplasia 11. Last evaluated: 2025-03-03. Review status: criteria provided, single submitter. Criteria: Invitae Variant Classification Sherloc (09022015). Collection method: clinical testing. Allele origin: germline.
Comment: This sequence change replaces asparagine, which is neutral and polar, with serine, which is neutral and polar, at codon 413 of the DSC2 protein (p.Asn413Ser). This variant is present in population databases (no rsID available, gnomAD 0.007%). This variant has not been reported in the literature in individuals affected with DSC2-related conditions. ClinVar contains an entry for this variant (Variation ID: 1506448). Invitae Evidence Modeling of protein sequence and biophysical properties (such as structural, functional, and spatial information, amino acid conservation, physicochemical variation, residue mobility, and thermodynamic stability) indicates that this missense variant is expected to disrupt DSC2 protein function with a positive predictive value of 80%. In summary, the available evidence is currently insufficient to determine the role of this variant in disease. Therefore, it has been classified as a Variant of Uncertain Significance.

All of Us Research Program, National Institutes of Health
Classification: Uncertain significance for Familial isolated arrhythmogenic right ventricular dysplasia. Last evaluated: 2023-10-23. Review status: criteria provided, single submitter. Criteria: ACMG Guidelines, 2015. Collection method: clinical testing. Allele origin: germline. Inheritance: Autosomal dominant inheritance. Observed: 2 variant alleles, 2 heterozygotes.
Comment: This missense variant replaces asparagine with serine at codon 413 of the DSC2 protein. Computational prediction is inconclusive regarding the impact of this variant on protein structure and function (internally defined REVEL score threshold 0.5 < inconclusive < 0.7, PMID: 27666373). To our knowledge, functional studies have not been reported for this variant. This variant has not been reported in individuals affected with cardiovascular disorders in the literature. This variant has been identified in 1/31386 chromosomes in the general population by the Genome Aggregation Database (gnomAD). The available evidence is insufficient to determine the role of this variant in disease conclusively. Therefore, this variant is classified as a Variant of Uncertain Significance.

This study involves interpretation of variants in research participants for the purpose of population health screening. Participant phenotype was not available at the time of variant classification. Additional details can be found in publication PMID: 35346344, PMCID: PMC8962531

Ambry Genetics
Classification: Uncertain significance for Cardiovascular phenotype. Last evaluated: 2023-09-18. Review status: criteria provided, single submitter. Criteria: Ambry Variant Classification Scheme 2023. Collection method: clinical testing. Allele origin: germline.
Comment: The p.N413S variant (also known as c.1238A>G), located in coding exon 9 of the DSC2 gene, results from an A to G substitution at nucleotide position 1238. The asparagine at codon 413 is replaced by serine, an amino acid with highly similar properties. This amino acid position is conserved. In addition, this alteration is predicted to be tolerated by in silico analysis. Since supporting evidence is limited at this time, the clinical significance of this alteration remains unclear.